The following is an entry in ClinVar:

ClinVar aggregate classification (germline): Uncertain significance (1 of 4 stars; one submission).

Conditions:
Long QT syndrome (LQTS). Identifiers: MedGen C0023976, MeSH D008133, MONDO:0002442. Disease mechanism: loss of function. Inheritance: Various modes of inheritance.

Submission:

Labcorp Genetics (formerly Invitae), Labcorp
Classification: Uncertain significance for Long QT syndrome. Last evaluated: 2025-07-02. Review status: criteria provided, single submitter. Criteria: Invitae Variant Classification Sherloc (09022015). Collection method: clinical testing. Allele origin: germline.
Comment: This sequence change replaces glutamic acid, which is acidic and polar, with aspartic acid, which is acidic and polar, at codon 2826 of the ANK2 protein (p.Glu2826Asp). This variant is not present in population databases (gnomAD no frequency). This variant has not been reported in the literature in individuals affected with ANK2-related conditions. ClinVar contains an entry for this variant (Variation ID: 2722061). An algorithm developed to predict the effect of missense changes on protein structure and function (PolyPhen-2) suggests that this variant is likely to be tolerated. In summary, the available evidence is currently insufficient to determine the role of this variant in disease. Therefore, it has been classified as a Variant of Uncertain Significance.

NM_001148.6(ANK2):c.8478G>T (p.Glu2826Asp)

Gene: ANK2 (ankyrin 2; plus strand). Cytogenetic location: 4q26.
Variant type: single nucleotide variant.
Coding change: c.8478G>T on transcript NM_001148.6 (MANE Select); coding-DNA position 8478, G replaced by T.
Protein change: p.Glu2826Asp; replaces glutamic acid 2826 with aspartic acid.
Molecular consequence: missense variant. On other transcripts: intron variant (68).
Genome position (GRCh38, 1-based): chr4:113,357,096, G>T. VCF-style: chr4-113357096-G-T. GRCh37 (hg19) VCF-style: chr4-114278252-G-T.
Other names: c.4406-3727G>T (NM_001354230.2); c.4469-3727G>T (NM_001354231.2, NM_001354242.2); c.4472-3727G>T (NM_001386144.1, NM_001354240.2, NM_001354241.2); c.1991-3727G>T (NM_001354279.2, NM_001354282.2); c.1976-3727G>T (NM_001354280.2); c.1955-3727G>T (NM_001354278.2, NM_001354281.2); c.827-3727G>T (NM_001386167.1); c.8244G>T, p.Glu2748Asp (NM_001386142.1); and 35 more; short protein forms E2873D, E1626D, E2865D, E2748D, E2826D.
Identifiers: ClinVar variation 2722061 (VCV002722061.3), dbSNP rs2505858256, ClinGen allele CA357934144.